The following is an entry in ClinVar:

NM_000528.4(MAN2B1):c.1419+1G>T

Genes: MAN2B1 (mannosidase alpha class 2B member 1; minus strand), LOC129391064 (MPRA-validated peak3365 silencer; plus strand). Cytogenetic location: 19p13.13.
Variant type: single nucleotide variant.
Coding change: c.1419+1G>T on transcript NM_000528.4 (MANE Select); the canonical splice donor site of the intron after coding-DNA position 1419, G replaced by T.
Molecular consequence: splice donor variant.
Genome position (GRCh38, 1-based): chr19:12,657,445, C>A on the plus strand (G>T on the coding strand, the complement: MAN2B1 is on the minus strand). VCF-style: chr19-12657445-C-A. GRCh37 (hg19) VCF-style: chr19-12768259-C-A.
Other names: c.1416+1G>T (NM_001173498.2).
Identifiers: ClinVar variation 2833493 (VCV002833493.3), dbSNP rs2023994157, ClinGen allele CA404246607.
Genomic context (GRCh38, chr19:12,657,445, plus strand): 5'-GGCCCTGGCCCCGCCCCTTCCTGTCTCCACCCCCGTGTCTCCCAAGTCTCGCCCCGCGCA[C>A]CTCGCAAGGCCCCCAGCCTGCCGCAAGCTGGCGCGCGTAGTCGTTGGCCACGTGCTGGCG-3'

ClinVar aggregate classification (germline): Likely pathogenic (1 of 4 stars; one submission).

Conditions:
Deficiency of alpha-mannosidase (MANSA). Also called: LYSOSOMAL ALPHA-D-MANNOSIDASE DEFICIENCY; Mannosidosis, alpha-, types I and II; Alpha-Mannosidosis. Identifiers: Orphanet 61, MedGen C0024748, MONDO:0009561, OMIM 248500.

Submission:

Labcorp Genetics (formerly Invitae), Labcorp
Classification: Likely pathogenic for Deficiency of alpha-mannosidase. Last evaluated: 2023-02-15. Review status: criteria provided, single submitter. Criteria: Invitae Variant Classification Sherloc (09022015). Collection method: clinical testing. Allele origin: germline.
Comment: This variant has not been reported in the literature in individuals affected with MAN2B1-related conditions. In summary, the currently available evidence indicates that the variant is pathogenic, but additional data are needed to prove that conclusively. Therefore, this variant has been classified as Likely Pathogenic. Algorithms developed to predict the effect of sequence changes on RNA splicing suggest that this variant may disrupt the consensus splice site. This variant is not present in population databases (gnomAD no frequency). This sequence change affects a donor splice site in intron 11 of the MAN2B1 gene. It is expected to disrupt RNA splicing. Variants that disrupt the donor or acceptor splice site typically lead to a loss of protein function (PMID: 16199547), and loss-of-function variants in MAN2B1 are known to be pathogenic (PMID: 9915946, 22161967).

Literature cited by the submitters: PubMed 16199547; PubMed 9915946; PubMed 22161967.